The following is an entry in ClinVar:

ClinVar aggregate classification (germline): Conflicting classifications of pathogenicity. Review status: criteria provided, conflicting classifications (1 of 4 stars). 2 submissions from 2 submitters: Uncertain significance (1); Likely benign (1). Last evaluated 2026-08-19.

Conditions:
Inborn genetic diseases. Identifiers: MedGen C0950123, MeSH D030342.

Allele frequency attached by ClinVar (database versions not stated): gnomAD 0.00005.
gnomAD v4.1: 12 of 1,225,550 alleles (0.00098%); highest among the groups gnomAD compares: African/African-American, 0.017%; no homozygotes.

Submissions (2):

Ambry Genetics
Classification: Likely benign for Inborn genetic diseases. Last evaluated: 2026-08-19. Review status: criteria provided, single submitter. Criteria: Ambry Variant Classification Scheme 2023. Collection method: clinical testing. Allele origin: germline.

CeGaT Center for Human Genetics Tuebingen
Classification: Uncertain significance. Last evaluated: 2023-12-01. Review status: criteria provided, single submitter. Criteria: CeGaT Center For Human Genetics Tuebingen Variant Classification Criteria Version 2. Collection method: clinical testing. Allele origin: germline. Affected: yes. Observed: 1 variant allele.
Comment: KMT2B: PM2:Supporting

NM_014727.3(KMT2B):c.265G>A (p.Val89Ile)

Gene: KMT2B (lysine methyltransferase 2B; plus strand). Cytogenetic location: 19q13.12.
Variant type: single nucleotide variant.
Coding change: c.265G>A on transcript NM_014727.3 (MANE Select); coding-DNA position 265, G replaced by A.
Protein change: p.Val89Ile; replaces valine 89 with isoleucine.
Molecular consequence: missense variant.
Genome position (GRCh38, 1-based): chr19:35,718,283, G>A. VCF-style: chr19-35718283-G-A. GRCh37 (hg19) VCF-style: chr19-36209185-G-A.
Other names: c.265G>A (NM_014727.1); short protein forms V89I.
Identifiers: ClinVar variation 2649725 (VCV002649725.25), dbSNP rs762334731, ClinGen allele CA9383966.